The following is an entry in ClinVar:

NM_001080.3(ALDH5A1):c.323C>T (p.Ala108Val)

Genes: ALDH5A1 (aldehyde dehydrogenase 5 family member A1; plus strand), LOC129995978 (ATAC-STARR-seq lymphoblastoid silent region 16989; plus strand). Cytogenetic location: 6p22.3.
Variant type: single nucleotide variant.
Coding change: c.323C>T on transcript NM_001080.3 (MANE Select); coding-DNA position 323, C replaced by T.
Protein change: p.Ala108Val; replaces alanine 108 with valine.
Molecular consequence: missense variant.
Genome position (GRCh38, 1-based): chr6:24,495,319, C>T. VCF-style: chr6-24495319-C-T. GRCh37 (hg19) VCF-style: chr6-24495547-C-T.
Other names: c.323C>T, p.Ala108Val (NM_001368954.1, NM_170740.1); short protein forms A108V.
Identifiers: ClinVar variation 529476 (VCV000529476.7), dbSNP rs1440288677, ClinGen allele CA362968682.

ClinVar aggregate classification (germline): Uncertain significance (1 of 4 stars; one submission).

Conditions:
Succinate-semialdehyde dehydrogenase deficiency (SSADHD). Also called: GABA METABOLIC DEFECT; 4-HYDROXYBUTYRIC ACIDURIA; SSADH DEFICIENCY; Succinic Semialdehyde Dehydrogenase Deficiency. Identifiers: Orphanet 22, MedGen C0268631, MONDO:0010083, OMIM 271980.

Allele frequency attached by ClinVar (database versions not stated): gnomAD exomes 0.00001; TOPMed 0.00001; gnomAD 0.00002.
gnomAD v4.1: 11 of 1,532,988 alleles (0.00072%); highest among the groups gnomAD compares: African/African-American, 0.0014%; no homozygotes.

Submission:

Labcorp Genetics (formerly Invitae), Labcorp
Classification: Uncertain significance for Succinate-semialdehyde dehydrogenase deficiency. Last evaluated: 2025-08-21. Review status: criteria provided, single submitter. Criteria: Invitae Variant Classification Sherloc (09022015). Collection method: clinical testing. Allele origin: germline.
Comment: This sequence change replaces alanine, which is neutral and non-polar, with valine, which is neutral and non-polar, at codon 108 of the ALDH5A1 protein (p.Ala108Val). This variant is present in population databases (no rsID available, gnomAD 0.007%). This variant has not been reported in the literature in individuals affected with ALDH5A1-related conditions. ClinVar contains an entry for this variant (Variation ID: 529476). Invitae Evidence Modeling of protein sequence and biophysical properties (such as structural, functional, and spatial information, amino acid conservation, physicochemical variation, residue mobility, and thermodynamic stability) has been performed for this missense variant. However, the output from this modeling did not meet the statistical confidence thresholds required to predict the impact of this variant on ALDH5A1 protein function. In summary, the available evidence is currently insufficient to determine the role of this variant in disease. Therefore, it has been classified as a Variant of Uncertain Significance.